The following is an entry in ClinVar:

NM_000264.5(PTCH1):c.571T>C (p.Tyr191His)

Gene: PTCH1 (patched 1; minus strand). Cytogenetic location: 9q22.32.
Variant type: single nucleotide variant.
Coding change: c.571T>C on transcript NM_000264.5 (MANE Select); coding-DNA position 571, T replaced by C.
Protein change: p.Tyr191His; replaces tyrosine 191 with histidine.
Molecular consequence: missense variant. On other transcripts: non-coding transcript variant (1).
Genome position (GRCh38, 1-based): chr9:95,485,698, A>G on the plus strand (T>C on the coding strand, the complement: PTCH1 is on the minus strand). VCF-style: chr9-95485698-A-G. GRCh37 (hg19) VCF-style: chr9-98247980-A-G.
Other names: c.571T>C (NM_000264.3); c.373T>C, p.Tyr125His (NM_001083602.3, NM_001354919.2); c.568T>C, p.Tyr190His (NM_001083603.3); c.118T>C, p.Tyr40His (NM_001083604.3, NM_001083605.3, NM_001083606.3 and 1 more transcripts); c.571T>C, p.Tyr191His (NM_001354918.2); short protein forms Y125H, Y191H, Y40H, Y190H.
Identifiers: ClinVar variation 1402503 (VCV001402503.12), dbSNP rs1480028040, ClinGen allele CA374116611.
Genomic context (GRCh38, chr9:95,485,698, plus strand): 5'-ACCGCCTTACCTGCTGCTCATTAGTAGGTGGACGCGGCGGGCCTTACCTGTTGTACATGT[A>G]TACATGGACACGGCTGGCCTGGAGTGCCGAGTCCAGGTGTTGTAGGAGCGCTTCTGTGGT-3'
Protein context (NP_000255.2, residues 181-201): SALQASRVHV[Tyr191His]MYNRQWKLEH

ClinVar aggregate classification (germline): Conflicting classifications of pathogenicity. Review status: criteria provided, conflicting classifications (1 of 4 stars). 2 submissions from 2 submitters: Uncertain significance (1); Benign (1). Last evaluated 2025-11-15.

Conditions:
Gorlin syndrome. Also called: Nevoid Basal Cell Carcinoma Syndrome; Basal cell nevus syndrome. Identifiers: Orphanet 377, MedGen C0004779, MONDO:0007187.
Hereditary cancer-predisposing syndrome. Also called: Neoplastic Syndromes, Hereditary; Hereditary neoplastic syndrome; Hereditary Cancer Syndrome; Tumor predisposition. Identifiers: Orphanet 140162, MedGen C0027672, MeSH D009386, MONDO:0015356.

Allele frequency attached by ClinVar (database versions not stated): gnomAD exomes below 0.00001.
gnomAD v4.1: 2 of 1,614,082 alleles (0.00012%); highest among the groups gnomAD compares: South Asian, 0.0022%; no homozygotes.

Submissions (2):

Ambry Genetics
Classification: Uncertain significance for Hereditary cancer-predisposing syndrome. Last evaluated: 2025-11-15. Review status: criteria provided, single submitter. Criteria: Ambry Variant Classification Scheme 2023. Collection method: clinical testing. Allele origin: germline.
Comment: The p.Y191H variant (also known as c.571T>C), located in coding exon 3 of the PTCH1 gene, results from a T to C substitution at nucleotide position 571. The tyrosine at codon 191 is replaced by histidine, an amino acid with similar properties. This amino acid position is conserved. In addition, this alteration is predicted to be deleterious by in silico analysis. Based on the available evidence, the clinical significance of this variant remains unclear.

Labcorp Genetics (formerly Invitae), Labcorp
Classification: Benign for Gorlin syndrome. Last evaluated: 2024-11-18. Review status: criteria provided, single submitter. Criteria: Invitae Variant Classification Sherloc (09022015). Collection method: clinical testing. Allele origin: germline.